The following is an entry in ClinVar:

NM_024753.5(TTC21B):c.2754T>C (p.Asn918=)

Gene: TTC21B (tetratricopeptide repeat domain 21B; minus strand). Cytogenetic location: 2q24.3.
Variant type: single nucleotide variant.
Coding change: c.2754T>C on transcript NM_024753.5 (MANE Select); coding-DNA position 2754, T replaced by C.
Protein change: p.Asn918=; no amino-acid change (asparagine 918 retained).
Molecular consequence: synonymous variant.
Genome position (GRCh38, 1-based): chr2:165,901,725, A>G on the plus strand (T>C on the coding strand, the complement: TTC21B is on the minus strand). VCF-style: chr2-165901725-A-G. GRCh37 (hg19) VCF-style: chr2-166758235-A-G.
Other names: c.2754T>C (NM_024753.4).
Identifiers: ClinVar variation 1456398 (VCV001456398.11), dbSNP rs139668120, ClinGen allele CA1941736.

ClinVar aggregate classification (germline): Likely benign. Review status: criteria provided, single submitter (1 of 4 stars). 2 submissions from 2 submitters: Likely benign (1). 1 of the submissions does not count toward it. Last evaluated 2023-08-04.

Conditions:
Nephronophthisis. Also called: Juvenile Nephronophthisis. Identifiers: Orphanet 655, MedGen C0687120, MONDO:0019005, HP:0000090.
Jeune thoracic dystrophy. Also called: Jeune syndrome; Infantile thoracic dystrophy; Thoracic pelvic phalangeal dystrophy; Jeune's syndrome; Chondroectodermal dysplasia-like syndrome; Short-rib thoracic dysplasia. Identifiers: Orphanet 474, MedGen C0265275, MONDO:0018770.
TTC21B-related disorder. Also called: TTC21B-related condition; TTC21B-related disorders.

Allele frequency attached by ClinVar (database versions not stated): gnomAD 0.00001; TOPMed 0.00001; ExAC 0.00002; gnomAD exomes 0.00002 and 0.00003; ESP Exome Variant Server 0.00008.
gnomAD v4.1: 40 of 1,613,506 alleles (0.0025%); highest among the groups gnomAD compares: Non-Finnish European, 0.003%; no homozygotes.

Submissions (2):

Labcorp Genetics (formerly Invitae), Labcorp
Classification: Likely benign for Jeune thoracic dystrophy; Nephronophthisis. Last evaluated: 2023-08-04. Review status: criteria provided, single submitter. Criteria: Invitae Variant Classification Sherloc (09022015). Collection method: clinical testing. Allele origin: germline.

PreventionGenetics, part of Exact Sciences
Classification: Likely benign for TTC21B-related condition. Last evaluated: 2023-11-30. Review status: no assertion criteria provided. Collection method: clinical testing. Allele origin: germline. Not counted in ClinVar's aggregate classification.
Comment: This variant is classified as likely benign based on ACMG/AMP sequence variant interpretation guidelines (Richards et al. 2015 PMID: 25741868, with internal and published modifications).